The following is an entry in ClinVar:

NM_007078.3(LDB3):c.2005T>G (p.Cys669Gly)

Gene: LDB3 (LIM domain binding 3; plus strand). Cytogenetic location: 10q23.2.
Variant type: single nucleotide variant.
Coding change: c.2005T>G on transcript NM_007078.3 (MANE Select); coding-DNA position 2005, T replaced by G.
Protein change: p.Cys669Gly; replaces cysteine 669 with glycine.
Molecular consequence: missense variant.
Genome position (GRCh38, 1-based): chr10:86,726,163, T>G. VCF-style: chr10-86726163-T-G. GRCh37 (hg19) VCF-style: chr10-88485920-T-G.
Other names: c.1675T>G, p.Cys559Gly (NM_001080114.2); c.2020T>G, p.Cys674Gly (NM_001171610.2); c.1816T>G, p.Cys606Gly (NM_001368064.1, NM_001368065.1); c.1864T>G, p.Cys622Gly (NM_001368066.1); short protein forms C559G, C606G, C622G, C669G, C674G.
Identifiers: ClinVar variation 4859153 (VCV004859153.1).
Genomic context (GRCh38, chr10:86,726,163, plus strand): 5'-GGGTGCGGGGTCTTCACTCTGCTTTTCATTTCAGACTACATCAATCTGTTCAGCACCAAG[T>G]GCCATGGCTGCGATTTCCCCGTGGAGGCTGGCGACAAGTTTATCGAAGCCCTGGGCCACA-3'
Protein context (NP_009009.1, residues 659-679): KDYINLFSTK[Cys669Gly]HGCDFPVEAG

ClinVar aggregate classification (germline): Uncertain significance (1 of 4 stars; one submission).

Conditions:
Cardiovascular phenotype. Identifiers: MedGen CN230736.

gnomAD v4.1: 1 of 1,613,944 alleles (0.000062%); highest among the groups gnomAD compares: Non-Finnish European, 0.000085%; no homozygotes.

Submission:

Ambry Genetics
Classification: Uncertain significance for Cardiovascular phenotype. Last evaluated: 2026-04-18. Review status: criteria provided, single submitter. Criteria: Ambry Variant Classification Scheme 2023. Collection method: clinical testing. Allele origin: germline.
Comment: The p.C669G variant (also known as c.2005T>G), located in coding exon 12 of the LDB3 gene, results from a T to G substitution at nucleotide position 2005. The cysteine at codon 669 is replaced by glycine, an amino acid with highly dissimilar properties. This amino acid position is conserved. In addition, this alteration is predicted to be deleterious by in silico analysis. Based on the available evidence, the clinical significance of this variant remains unclear.